The following is an entry in ClinVar:

NM_002819.5(PTBP1):c.137A>C (p.Lys46Thr)

Gene: PTBP1 (polypyrimidine tract binding protein 1; plus strand). Cytogenetic location: 19p13.3.
Variant type: single nucleotide variant.
Coding change: c.137A>C on transcript NM_002819.5 (MANE Select); coding-DNA position 137, A replaced by C.
Protein change: p.Lys46Thr; replaces lysine 46 with threonine.
Molecular consequence: missense variant.
Genome position (GRCh38, 1-based): chr19:804,057, A>C. VCF-style: chr19-804057-A-C. GRCh37 (hg19) VCF-style: chr19-804057-A-C.
Other names: c.143A>C, p.Lys48Thr (NM_001411140.1); c.137A>C, p.Lys46Thr (NM_031990.4, NM_031991.4); short protein forms K46T, K48T.
Identifiers: ClinVar variation 4528352 (VCV004528352.1).
Genomic context (GRCh38, chr19:804,057, plus strand): 5'-GCGAGTTGGTGCCTGCATCTCATGGCACCCCCTTTTCAGCAAACGGAAATGACAGCAAGA[A>C]GTTCAAAGGTGACAGCCGAAGTGCAGGCGTCCCCTCTAGAGTGATCCACATCCGGAAGCT-3'
Protein context (NP_002810.1, residues 36-56): ASAANGNDSK[Lys46Thr]FKGDSRSAGV

ClinVar aggregate classification (germline): Pathogenic. Review status: criteria provided, single submitter (1 of 4 stars). 2 submissions from 2 submitters: Pathogenic (1). 1 of the submissions does not count toward it. Last evaluated 2025-09-01.

Conditions:
PTBP1-related neurodevelopmental disorder with skeletal dysplasia.
STAD syndrome. Also called: SKELETAL DYSPLASIA, TOOTH ANOMALIES, AND DEVELOPMENTAL DELAY SYNDROME; MASSON-PACCAUD-VITOBELLO SYNDROME. Identifiers: MedGen CN380859, MONDO:0980973, OMIM 621495.

Submissions (2):

Equipe Genetique des Anomalies du Developpement, Université de Bourgogne
Classification: Pathogenic for PTBP1-related neurodevelopmental disorder with skeletal dysplasia. Last evaluated: 2025-09-01. Review status: criteria provided, single submitter. Criteria: ACMG Guidelines, 2015. Collection method: research. Allele origin: de novo. Affected: yes.
Comment: The c.137A>C substitution is absent from gnomAD (v4.1.0) and results in a p.Lys46Thr missense variant within the second half of the bipartite nuclear localization signal. This variant causes abnormal cytoplasmic accumulation of the protein (PMID: 40965981).

OMIM
Classification: Pathogenic for STAD SYNDROME. Last evaluated: 2026-02-05. Review status: no assertion criteria provided. Collection method: literature only. Allele origin: germline. Not counted in ClinVar's aggregate classification.

Literature cited by the submitters: PubMed 40965981 (cited by Equipe Genetique des Anomalies du Developpement, Université de Bourgogne and OMIM).